The following is an entry in ClinVar:

NM_004655.4(AXIN2):c.1955C>G (p.Ser652Cys)

Gene: AXIN2 (axin 2; minus strand). Cytogenetic location: 17q24.1.
Variant type: single nucleotide variant.
Coding change: c.1955C>G on transcript NM_004655.4 (MANE Select); coding-DNA position 1955, C replaced by G.
Protein change: p.Ser652Cys; replaces serine 652 with cysteine.
Molecular consequence: missense variant.
Genome position (GRCh38, 1-based): chr17:65,536,506, G>C on the plus strand (C>G on the coding strand, the complement: AXIN2 is on the minus strand). VCF-style: chr17-65536506-G-C. GRCh37 (hg19) VCF-style: chr17-63532624-G-C.
Other names: c.1760C>G, p.Ser587Cys (NM_001363813.1); short protein forms S587C, S652C.
Identifiers: ClinVar variation 1328878 (VCV001328878.12), dbSNP rs2144443516, ClinGen allele CA400676265.

ClinVar aggregate classification (germline): Uncertain significance. Review status: criteria provided, multiple submitters, no conflicts (2 of 4 stars). 3 submissions from 3 submitters: Uncertain significance (3). Last evaluated 2022-12-14.

Conditions:
Hereditary cancer-predisposing syndrome. Also called: Hereditary Cancer Syndrome; Tumor predisposition; Neoplastic Syndromes, Hereditary; Hereditary neoplastic syndrome. Identifiers: Orphanet 140162, MedGen C0027672, MeSH D009386, MONDO:0015356.
Oligodontia-cancer predisposition syndrome. Also called: TOOTH AGENESIS-COLORECTAL CANCER SYNDROME. Identifiers: Orphanet 300576, MedGen C1837750, MONDO:0012075, OMIM 608615. Disease mechanism: loss of function.

Submissions (3):

Ambry Genetics
Classification: Uncertain significance for Hereditary cancer-predisposing syndrome. Last evaluated: 2022-12-14. Review status: criteria provided, single submitter. Criteria: Ambry Variant Classification Scheme 2023. Collection method: clinical testing. Allele origin: germline.
Comment: The p.S652C variant (also known as c.1955C>G), located in coding exon 7 of the AXIN2 gene, results from a C to G substitution at nucleotide position 1955. The serine at codon 652 is replaced by cysteine, an amino acid with dissimilar properties. This amino acid position is not well conserved in available vertebrate species. In addition, this alteration is predicted to be tolerated by in silico analysis. Since supporting evidence is limited at this time, the clinical significance of this alteration remains unclear.

GeneDx
Classification: Uncertain significance. Last evaluated: 2021-06-16. Review status: criteria provided, single submitter. Criteria: GeneDx Variant Classification Process June 2021. Collection method: clinical testing. Allele origin: germline. Affected: yes.
Comment: Not observed at significant frequency in large population cohorts (Lek 2016); In silico analysis supports that this missense variant does not alter protein structure/function; Has not been previously published as pathogenic or benign to our knowledge; This variant is associated with the following publications: (PMID: 27535533, 15735151)

Labcorp Genetics (formerly Invitae), Labcorp
Classification: Uncertain significance for Oligodontia-cancer predisposition syndrome. Last evaluated: 2020-12-26. Review status: criteria provided, single submitter. Criteria: Invitae Variant Classification Sherloc (09022015). Collection method: clinical testing. Allele origin: germline.
Comment: This variant has not been reported in the literature in individuals with AXIN2-related conditions. In summary, the available evidence is currently insufficient to determine the role of this variant in disease. Therefore, it has been classified as a Variant of Uncertain Significance. Algorithms developed to predict the effect of missense changes on protein structure and function are either unavailable or do not agree on the potential impact of this missense change (SIFT: "Tolerated"; PolyPhen-2: "Possibly Damaging"; Align-GVGD: "Class C0"). This sequence change replaces serine with cysteine at codon 652 of the AXIN2 protein (p.Ser652Cys). The serine residue is weakly conserved and there is a moderate physicochemical difference between serine and cysteine. This variant is not present in population databases (ExAC no frequency).